The following is an entry in ClinVar:

NM_004998.4(MYO1E):c.278A>C (p.Asp93Ala)

Gene: MYO1E (myosin IE; minus strand). Cytogenetic location: 15q22.2.
Variant type: single nucleotide variant.
Coding change: c.278A>C on transcript NM_004998.4 (MANE Select); coding-DNA position 278, A replaced by C.
Protein change: p.Asp93Ala; replaces aspartic acid 93 with alanine.
Molecular consequence: missense variant.
Genome position (GRCh38, 1-based): chr15:59,256,338, T>G on the plus strand (A>C on the coding strand, the complement: MYO1E is on the minus strand). VCF-style: chr15-59256338-T-G. GRCh37 (hg19) VCF-style: chr15-59548537-T-G.
Other names: short protein forms D93A.
Identifiers: ClinVar variation 1444180 (VCV001444180.6), dbSNP rs1436041542, ClinGen allele CA392650006.
Genomic context (GRCh38, chr15:59,256,338, plus strand): 5'-TCATACCTGATAATGACGCACTGGTTCTCTCTGTCAATGATCATGTTTCTGTACATATTA[T>G]CTGCAAGGGCATAGATATGTGGTGGGTTTTCATACTGTGCCTAGAAAAGCAAAAAATAAT-3'
Protein context (NP_004989.2, residues 83-103): ENPPHIYALA[Asp93Ala]NMYRNMIIDR

ClinVar aggregate classification (germline): Uncertain significance (1 of 4 stars; one submission).

Submission:

Labcorp Genetics (formerly Invitae), Labcorp
Classification: Uncertain significance. Last evaluated: 2025-03-17. Review status: criteria provided, single submitter. Criteria: Invitae Variant Classification Sherloc (09022015). Collection method: clinical testing. Allele origin: germline.
Comment: This sequence change replaces aspartic acid, which is acidic and polar, with alanine, which is neutral and non-polar, at codon 93 of the MYO1E protein (p.Asp93Ala). This variant is not present in population databases (gnomAD no frequency). This variant has not been reported in the literature in individuals affected with MYO1E-related conditions. ClinVar contains an entry for this variant (Variation ID: 1444180). Invitae Evidence Modeling of protein sequence and biophysical properties (such as structural, functional, and spatial information, amino acid conservation, physicochemical variation, residue mobility, and thermodynamic stability) indicates that this missense variant is expected to disrupt MYO1E protein function with a positive predictive value of 80%. In summary, the available evidence is currently insufficient to determine the role of this variant in disease. Therefore, it has been classified as a Variant of Uncertain Significance.